The following is an entry in ClinVar:

ClinVar aggregate classification (germline): Benign. Review status: criteria provided, multiple submitters, no conflicts (2 of 4 stars). 4 submissions from 4 submitters: Benign (4). Last evaluated 2022-04-19.

Conditions:
Hereditary breast ovarian cancer syndrome. Also called: Hereditary breast and/or ovarian cancer syndrome; BRCA1- and BRCA2-Associated Hereditary Breast and Ovarian Cancer; Hereditary breast and ovarian cancer syndrome; Breast and ovarian cancer; Hereditary breast and ovarian cancer; Hereditary breast and ovarian cancer syndrome (HBOC). Identifiers: Orphanet 145, MedGen C0677776, MeSH D061325, MONDO:0003582. Disease mechanism: loss of function.
Fanconi anemia complementation group D2. Also called: FANCD2-Related Fanconi Anemia; FANCONI PANCYTOPENIA, TYPE 4; FANCONI ANEMIA, COMPLEMENTATION GROUP D. Identifiers: Orphanet 84, MedGen C3160738, MONDO:0009214, OMIM 227646.

Allele frequency attached by ClinVar (database versions not stated): gnomAD 0.24236 and 0.24912; TOPMed 0.25830; 1000 Genomes Project 30x 0.25484; gnomAD exomes 0.17255; 1000 Genomes Project 0.24121.
gnomAD v4.1: 289,322 of 1,612,436 alleles (18%); highest among the groups gnomAD compares: African/African-American, 47%; 29,915 homozygotes.

Submissions (4):

National Health Laboratory Service, Universitas Academic Hospital and University of the Free State
Classification: Benign for Hereditary breast ovarian cancer syndrome. Last evaluated: 2022-04-19. Review status: criteria provided, single submitter. Criteria: ACMG Guidelines, 2015. Collection method: clinical testing. Allele origin: germline. Affected: yes. Observed: 188 variant alleles.

GeneDx
Classification: Benign. Last evaluated: 2019-02-11. Review status: criteria provided, single submitter. Criteria: GeneDx Variant Classification Process June 2021. Collection method: clinical testing. Allele origin: germline. Affected: yes.

Illumina Laboratory Services, Illumina
Classification: Benign for Fanconi anemia complementation group D2. Last evaluated: 2018-01-13. Review status: criteria provided, single submitter. Criteria: ICSL Variant Classification Criteria 13 December 2019. Collection method: clinical testing. Allele origin: germline.
Comment: This variant was observed in the ICSL laboratory as part of a predisposition screen in an ostensibly healthy population. It had not been previously curated by ICSL or reported in the Human Gene Mutation Database (HGMD: prior to June 1st, 2018), and was therefore a candidate for classification through an automated scoring system. Utilizing variant allele frequency, disease prevalence and penetrance estimates, and inheritance mode, an automated score was calculated to assess if this variant is too frequent to cause the disease. Based on the score and internal cut-off values, a variant classified as benign is not then subjected to further curation. The score for this variant resulted in a classification of benign for this disease.

Breakthrough Genomics
Classification: Benign. Review status: criteria provided, single submitter. Criteria: ACMG Guidelines, 2015. Collection method: not provided. Allele origin: germline. Inheritance: Autosomal recessive inheritance. Affected: yes.

NM_001018115.3(FANCD2):c.4281+197A>G

Genes: FANCD2 (FA complementation group D2; plus strand), FANCD2OS (FANCD2 opposite strand; minus strand). Cytogenetic location: 3p25.3.
Variant type: single nucleotide variant.
Coding change: c.4281+197A>G on transcript NM_001018115.3 (MANE Select); 197 bases into the intron after coding-DNA position 4281, A replaced by G.
Molecular consequence: intron variant. On other transcripts: 3 prime UTR variant (2).
Genome position (GRCh38, 1-based): chr3:10,099,012, A>G. VCF-style: chr3-10099012-A-G. GRCh37 (hg19) VCF-style: chr3-10140696-A-G.
Other names: c.*62A>G (NM_001374254.1, NM_033084.6); c.4281+197A>G (NM_001319984.2); c.4170+197A>G (NM_001374253.1); c.*43+5186T>C (NM_173472.2).
Identifiers: ClinVar variation 342383 (VCV000342383.12), dbSNP rs7647987, ClinGen allele CA10616666.